The following is an entry in ClinVar:

ClinVar aggregate classification (germline): Uncertain significance. Review status: criteria provided, multiple submitters, no conflicts (2 of 4 stars). 2 submissions from 2 submitters: Uncertain significance (2). Last evaluated 2025-09-27.

Conditions:
Hereditary cancer-predisposing syndrome. Also called: Neoplastic Syndromes, Hereditary; Tumor predisposition; Hereditary neoplastic syndrome; Hereditary Cancer Syndrome. Identifiers: Orphanet 140162, MedGen C0027672, MeSH D009386, MONDO:0015356.

Submissions (2):

Labcorp Genetics (formerly Invitae), Labcorp
Classification: Uncertain significance. Last evaluated: 2025-09-27. Review status: criteria provided, single submitter. Criteria: Invitae Variant Classification Sherloc (09022015). Collection method: clinical testing. Allele origin: germline.
Comment: This sequence change replaces leucine, which is neutral and non-polar, with phenylalanine, which is neutral and non-polar, at codon 743 of the POLE protein (p.Leu743Phe). This variant is not present in population databases (gnomAD no frequency). This variant has not been reported in the literature in individuals affected with POLE-related conditions. ClinVar contains an entry for this variant (Variation ID: 661258). Invitae Evidence Modeling of protein sequence and biophysical properties (such as structural, functional, and spatial information, amino acid conservation, physicochemical variation, residue mobility, and thermodynamic stability) indicates that this missense variant is not expected to disrupt POLE protein function with a negative predictive value of 80%. In summary, the available evidence is currently insufficient to determine the role of this variant in disease. Therefore, it has been classified as a Variant of Uncertain Significance.

Ambry Genetics
Classification: Uncertain significance for Hereditary cancer-predisposing syndrome. Last evaluated: 2025-05-25. Review status: criteria provided, single submitter. Criteria: Ambry Variant Classification Scheme 2023. Collection method: clinical testing. Allele origin: germline.
Comment: The p.L743F variant (also known as c.2227C>T), located in coding exon 20 of the POLE gene, results from a C to T substitution at nucleotide position 2227. The leucine at codon 743 is replaced by phenylalanine, an amino acid with highly similar properties. This amino acid position is conserved. In addition, this alteration is predicted to be tolerated by in silico analysis. Based on the available evidence, the clinical significance of this variant remains unclear.

NM_006231.4(POLE):c.2227C>T (p.Leu743Phe)

Gene: POLE (DNA polymerase epsilon, catalytic subunit; minus strand). Cytogenetic location: 12q24.33.
Variant type: single nucleotide variant.
Coding change: c.2227C>T on transcript NM_006231.4 (MANE Select); coding-DNA position 2227, C replaced by T.
Protein change: p.Leu743Phe; replaces leucine 743 with phenylalanine.
Molecular consequence: missense variant.
Genome position (GRCh38, 1-based): chr12:132,667,595, G>A on the plus strand (C>T on the coding strand, the complement: POLE is on the minus strand). VCF-style: chr12-132667595-G-A. GRCh37 (hg19) VCF-style: chr12-133244181-G-A.
Other names: c.2227C>T (NM_006231.2); short protein forms L743F.
Identifiers: ClinVar variation 661258 (VCV000661258.9), dbSNP rs1593790117, ClinGen allele CA387352261.
Genomic context (GRCh38, chr12:132,667,595, plus strand): 5'-CCCGGAAGGCACGCACGGTGTCCACGTAGAAGGAGTTTTCCCGCTGGCAGATGGTGGTGA[G>A]ACGCTCTTCCACCTTGGTGATGTGGATCTTCTTGTAGGCTTTCCGGCAGTAATCTAAGCA-3'
Protein context (NP_006222.2, residues 733-753): KIHITKVEER[Leu743Phe]TTICQRENSF